The following is an entry in ClinVar:

ClinVar aggregate classification (germline): Uncertain significance (1 of 4 stars; one submission).

gnomAD v4.1: 2 of 1,614,130 alleles (0.00012%); highest among the groups gnomAD compares: Non-Finnish European, 0.00017%; no homozygotes.

Submission:

Labcorp Genetics (formerly Invitae), Labcorp
Classification: Uncertain significance. Last evaluated: 2026-01-12. Review status: criteria provided, single submitter. Criteria: Invitae Variant Classification Sherloc (09022015). Collection method: clinical testing. Allele origin: germline.
Comment: This sequence change replaces threonine, which is neutral and polar, with isoleucine, which is neutral and non-polar, at codon 604 of the C1S protein (p.Thr604Ile). This variant is present in population databases (no rsID available, gnomAD 0.007%). This variant has not been reported in the literature in individuals affected with C1S-related conditions. An algorithm developed to predict the effect of missense changes on protein structure and function (PolyPhen-2) suggests that this variant is likely to be tolerated. In summary, the available evidence is currently insufficient to determine the role of this variant in disease. Therefore, it has been classified as a Variant of Uncertain Significance.

NM_001734.5(C1S):c.1811C>T (p.Thr604Ile)

Gene: C1S (complement C1s; plus strand). Cytogenetic location: 12p13.31.
Variant type: single nucleotide variant.
Coding change: c.1811C>T on transcript NM_001734.5 (MANE Select); coding-DNA position 1811, C replaced by T.
Protein change: p.Thr604Ile; replaces threonine 604 with isoleucine.
Molecular consequence: missense variant.
Genome position (GRCh38, 1-based): chr12:7,070,395, C>T. VCF-style: chr12-7070395-C-T. GRCh37 (hg19) VCF-style: chr12-7177699-C-T.
Other names: c.1310C>T, p.Thr437Ile (NM_001346850.2); c.1811C>T, p.Thr604Ile (NM_201442.4); short protein forms T437I, T604I.
Identifiers: ClinVar variation 4742871 (VCV004742871.1).